The following is an entry in ClinVar:

NM_206933.4(USH2A):c.5795T>C (p.Ile1932Thr)

Genes: USH2A (usherin; minus strand), USH2A-AS2 (USH2A antisense RNA 2; plus strand). Cytogenetic location: 1q41.
Variant type: single nucleotide variant.
Coding change: c.5795T>C on transcript NM_206933.4 (MANE Select); coding-DNA position 5795, T replaced by C.
Protein change: p.Ile1932Thr; replaces isoleucine 1932 with threonine.
Molecular consequence: missense variant.
Genome position (GRCh38, 1-based): chr1:216,072,951, A>G on the plus strand (T>C on the coding strand, the complement: USH2A is on the minus strand). VCF-style: chr1-216072951-A-G. GRCh37 (hg19) VCF-style: chr1-216246293-A-G.
Other names: short protein forms I1932T.
Identifiers: ClinVar variation 1949224 (VCV001949224.2), dbSNP rs768681145, ClinGen allele CA37437006.

ClinVar aggregate classification (germline): Uncertain significance (1 of 4 stars; one submission).

Allele frequency attached by ClinVar (database versions not stated): gnomAD exomes 0.00001.
gnomAD v4.1: 18 of 1,613,976 alleles (0.0011%); highest among the groups gnomAD compares: Non-Finnish European, 0.0015%; no homozygotes.

Submission:

Labcorp Genetics (formerly Invitae), Labcorp
Classification: Uncertain significance. Last evaluated: 2022-05-08. Review status: criteria provided, single submitter. Criteria: Invitae Variant Classification Sherloc (09022015). Collection method: clinical testing. Allele origin: germline.
Comment: This sequence change replaces isoleucine, which is neutral and non-polar, with threonine, which is neutral and polar, at codon 1932 of the USH2A protein (p.Ile1932Thr). This variant is not present in population databases (gnomAD no frequency). This variant has not been reported in the literature in individuals affected with USH2A-related conditions. Algorithms developed to predict the effect of missense changes on protein structure and function output the following: SIFT: "Tolerated"; PolyPhen-2: "Benign"; Align-GVGD: "Class C0". The threonine amino acid residue is found in multiple mammalian species, which suggests that this missense change does not adversely affect protein function. In summary, the available evidence is currently insufficient to determine the role of this variant in disease. Therefore, it has been classified as a Variant of Uncertain Significance.